The following is an entry in ClinVar:

NM_020779.4(WDR35):c.2956del (p.Ser986fs)

Gene: WDR35 (WD repeat domain 35; minus strand). Cytogenetic location: 2p24.1.
Variant type: Deletion.
Coding change: c.2956del on transcript NM_020779.4 (MANE Select); coding-DNA position 2956, one base deleted (A; older notation c.2956delA).
Protein change: p.Ser986fs; shifts the reading frame from serine 986.
Molecular consequence: frameshift variant.
Genome position (GRCh38, 1-based): chr2:19,931,277, T deleted on the plus strand (A on the coding strand, the reverse complement: WDR35 is on the minus strand); the first of 5 consecutive T bases (chr2:19,931,277-19,931,281); deleting any one gives the same sequence. VCF-style (leftmost placement, unchanged base first): chr2-19931276-CT-C. GRCh37 (hg19) VCF-style: chr2-20131037-CT-C.
Other names: c.2989del, p.Ser997fs (NM_001006657.2); short protein forms S986fs, S997fs.
Identifiers: ClinVar variation 4788990 (VCV004788990.1).

ClinVar aggregate classification (germline): Pathogenic (1 of 4 stars; one submission).

Conditions:
Short-rib thoracic dysplasia 7 with or without polydactyly (SRTD7). Also called: Short rib polydactyly syndrome 5; SHORT-RIB THORACIC DYSPLASIA 7 WITH POLYDACTYLY. Identifiers: Orphanet 498497, Orphanet 93271, MedGen C3279792, MONDO:0013569, OMIM 614091.
Cranioectodermal dysplasia 2 (CED2). Identifiers: Orphanet 1515, MedGen C3150874, MONDO:0013323, OMIM 613610.

Submission:

Labcorp Genetics (formerly Invitae), Labcorp
Classification: Pathogenic for Cranioectodermal dysplasia 2; Short-rib thoracic dysplasia 7 with or without polydactyly. Last evaluated: 2025-04-13. Review status: criteria provided, single submitter. Criteria: Invitae Variant Classification Sherloc (09022015). Collection method: clinical testing. Allele origin: germline.
Comment: This sequence change creates a premature translational stop signal (p.Ser997Valfs*53) in the WDR35 gene. It is expected to result in an absent or disrupted protein product. Loss-of-function variants in WDR35 are known to be pathogenic (PMID: 22486404, 29068549). This variant is not present in population databases (gnomAD no frequency). This variant has not been reported in the literature in individuals affected with WDR35-related conditions. For these reasons, this variant has been classified as Pathogenic.

Literature cited by the submitters: PubMed 22486404; PubMed 29068549.